The following is an entry in ClinVar:

NM_002024.6(FMR1):c.1787A>G (p.Gln596Arg)

Gene: FMR1 (fragile X messenger ribonucleoprotein 1; plus strand). Cytogenetic location: Xq27.3.
Variant type: single nucleotide variant.
Coding change: c.1787A>G on transcript NM_002024.6 (MANE Select); coding-DNA position 1787, A replaced by G.
Protein change: p.Gln596Arg; replaces glutamine 596 with arginine.
Molecular consequence: missense variant. On other transcripts: non-coding transcript variant (2).
Genome position (GRCh38, 1-based): chrX:147,948,732, A>G. VCF-style: chrX-147948732-A-G. GRCh37 (hg19) VCF-style: chrX-147030252-A-G.
Other names: c.1516A>G, p.Arg506Gly (NM_001185075.2); c.1724A>G, p.Gln575Arg (NM_001185076.2); c.1453A>G, p.Arg485Gly (NM_001185081.2); c.1649A>G, p.Gln550Arg (NM_001185082.2); short protein forms Q550R, Q575R, Q596R, R485G, R506G.
Identifiers: ClinVar variation 4082754 (VCV004082754.2).
Genomic context (GRCh38, chrX:147,948,732, plus strand): 5'-ACTTGTTTTAGATCAGAGTTGACTGCAATAATGAAAGGAGTGTCCACACTAAAACATTAC[A>G]GAATACCTCCAGTGAAGGTAGTCGGCTGCGCACGGGTAAAGATCGTAACCAGAAGAAAGA-3'
Protein context (NP_002015.1, residues 586-606): NERSVHTKTL[Gln596Arg]NTSSEGSRLR

ClinVar aggregate classification (germline): Uncertain significance. Review status: criteria provided, multiple submitters, no conflicts (2 of 4 stars). 2 submissions from 2 submitters: Uncertain significance (2). Last evaluated 2025-03-06.

Submissions (2):

GeneDx
Classification: Uncertain significance. Last evaluated: 2025-03-06. Review status: criteria provided, single submitter. Criteria: GeneDx Variant Classification Process June 2021. Collection method: clinical testing. Allele origin: germline. Affected: yes.
Comment: Not observed at significant frequency in large population cohorts (gnomAD); In silico analysis indicates that this missense variant does not alter protein structure/function; In silico analysis is inconclusive as to whether the variant alters gene splicing. In the absence of RNA/functional studies, the actual effect of this sequence change is unknown.; Has not been previously published as pathogenic or benign to our knowledge

Blueprint Genetics
Classification: Uncertain significance. Last evaluated: 2023-12-18. Review status: criteria provided, single submitter. Criteria: ACMG Guidelines, 2015. Collection method: clinical testing. Allele origin: germline.